The following is an entry in ClinVar:

NM_000784.4(CYP27A1):c.1142C>T (p.Ala381Val)

Gene: CYP27A1 (cytochrome P450 family 27 subfamily A member 1; plus strand). Cytogenetic location: 2q35.
Variant type: single nucleotide variant.
Coding change: c.1142C>T on transcript NM_000784.4 (MANE Select); coding-DNA position 1142, C replaced by T.
Protein change: p.Ala381Val; replaces alanine 381 with valine.
Molecular consequence: missense variant.
Genome position (GRCh38, 1-based): chr2:218,814,145, C>T. VCF-style: chr2-218814145-C-T. GRCh37 (hg19) VCF-style: chr2-219678868-C-T.
Other names: short protein forms A381V.
Identifiers: ClinVar variation 2586035 (VCV002586035.2), dbSNP rs1943756547, ClinGen allele CA350592356.

ClinVar aggregate classification (germline): Uncertain significance (1 of 4 stars; one submission).

Conditions:
Cardiovascular phenotype. Identifiers: MedGen CN230736.

Allele frequency attached by ClinVar (database versions not stated): gnomAD exomes below 0.00001.
gnomAD v4.1: 2 of 1,614,230 alleles (0.00012%); highest among the groups gnomAD compares: Non-Finnish European, 0.00017%; no homozygotes.

Submission:

Ambry Genetics
Classification: Uncertain significance for Cardiovascular phenotype. Last evaluated: 2023-08-11. Review status: criteria provided, single submitter. Criteria: Ambry Variant Classification Scheme 2023. Collection method: clinical testing. Allele origin: germline.
Comment: The p.A381V variant (also known as c.1142C>T), located in coding exon 6 of the CYP27A1 gene, results from a C to T substitution at nucleotide position 1142. The alanine at codon 381 is replaced by valine, an amino acid with similar properties. This amino acid position is conserved. In addition, this alteration is predicted to be tolerated by in silico analysis. Since supporting evidence is limited at this time, the clinical significance of this alteration remains unclear.